The following is an entry in ClinVar:

ClinVar aggregate classification (germline): Uncertain significance (1 of 4 stars; one submission).

Submission:

Ambry Genetics
Classification: Uncertain significance. Last evaluated: 2025-04-29. Review status: criteria provided, single submitter. Criteria: Ambry Variant Classification Scheme 2023. Collection method: clinical testing. Allele origin: germline.
Comment: The p.V461M variant (also known as c.1381G>A), located in coding exon 6 of the WNK2 gene, results from a G to A substitution at nucleotide position 1381. The valine at codon 461 is replaced by methionine, an amino acid with highly similar properties. This amino acid position is conserved. In addition, the in silico prediction for this alteration is inconclusive. Based on the available evidence, the clinical significance of this variant remains unclear.

NM_006648.4(WNK2):c.1381G>A (p.Val461Met)

Gene: WNK2 (WNK lysine deficient protein kinase 2; plus strand). Cytogenetic location: 9q22.31.
Variant type: single nucleotide variant.
Coding change: c.1381G>A on transcript NM_006648.4 (MANE Select); coding-DNA position 1381, G replaced by A.
Protein change: p.Val461Met; replaces valine 461 with methionine.
Molecular consequence: missense variant.
Genome position (GRCh38, 1-based): chr9:93,239,815, G>A. VCF-style: chr9-93239815-G-A. GRCh37 (hg19) VCF-style: chr9-96002097-G-A.
Other names: c.1381G>A, p.Val461Met (NM_001282394.3); short protein forms V461M.
Identifiers: ClinVar variation 3981958 (VCV003981958.1).